The following is an entry in ClinVar:

NM_001128840.3(CACNA1D):c.5878G>A (p.Ala1960Thr)

Gene: CACNA1D (calcium voltage-gated channel subunit alpha1 D; plus strand). Cytogenetic location: 3p21.1.
Variant type: single nucleotide variant.
Coding change: c.5878G>A on transcript NM_001128840.3 (MANE Select); coding-DNA position 5878, G replaced by A.
Protein change: p.Ala1960Thr; replaces alanine 1960 with threonine.
Molecular consequence: missense variant.
Genome position (GRCh38, 1-based): chr3:53,809,984, G>A. VCF-style: chr3-53809984-G-A. GRCh37 (hg19) VCF-style: chr3-53844011-G-A.
Other names: c.5938G>A, p.Ala1980Thr (NM_000720.4); c.5806G>A, p.Ala1936Thr (NM_001128839.3); short protein forms A1980T, A1936T, A1960T.
Identifiers: ClinVar variation 3681602 (VCV003681602.2).

ClinVar aggregate classification (germline): Uncertain significance (1 of 4 stars; one submission).

Submission:

Labcorp Genetics (formerly Invitae), Labcorp
Classification: Uncertain significance. Last evaluated: 2024-11-11. Review status: criteria provided, single submitter. Criteria: Invitae Variant Classification Sherloc (09022015). Collection method: clinical testing. Allele origin: germline.
Comment: This sequence change replaces alanine, which is neutral and non-polar, with threonine, which is neutral and polar, at codon 1980 of the CACNA1D protein (p.Ala1980Thr). This variant is not present in population databases (gnomAD no frequency). This variant has not been reported in the literature in individuals affected with CACNA1D-related conditions. An algorithm developed to predict the effect of missense changes on protein structure and function (PolyPhen-2) suggests that this variant is likely to be disruptive. In summary, the available evidence is currently insufficient to determine the role of this variant in disease. Therefore, it has been classified as a Variant of Uncertain Significance.